The following is an entry in ClinVar:

NM_003036.4(SKI):c.1699G>A (p.Val567Ile)

Gene: SKI (SKI proto-oncogene; plus strand). Cytogenetic location: 1p36.32.
Variant type: single nucleotide variant.
Coding change: c.1699G>A on transcript NM_003036.4 (MANE Select); coding-DNA position 1699, G replaced by A.
Protein change: p.Val567Ile; replaces valine 567 with isoleucine.
Molecular consequence: missense variant.
Genome position (GRCh38, 1-based): chr1:2,304,517, G>A. VCF-style: chr1-2304517-G-A. GRCh37 (hg19) VCF-style: chr1-2235956-G-A.
Other names: short protein forms V567I.
Identifiers: ClinVar variation 4738819 (VCV004738819.1).
Genomic context (GRCh38, chr1:2,304,517, plus strand): 5'-CAGGCACTGGAGGGCGGCCTGGACACCAAGGAAGCCAAAGAGAAGTTCCTGCATGAGGTG[G>A]TCAAGATGCGCGTGAAGCAGGAGGAGAAGCTCAGCGCAGCCCTGCAGGCCAAGCGCAGCC-3'
Protein context (NP_003027.1, residues 557-577): EAKEKFLHEV[Val567Ile]KMRVKQEEKL

ClinVar aggregate classification (germline): Uncertain significance (1 of 4 stars; one submission).

Conditions:
Shprintzen-Goldberg syndrome (SGS). Also called: Marfanoid disorder with craniosynostosis type 1; Marfanoid craniosynostosis syndrome; Shprintzen-Goldberg marfanoid syndrome; SHPRINTZEN-GOLDBERG CRANIOSYNOSTOSIS SYNDROME; CRANIOSYNOSTOSIS WITH ARACHNODACTYLY AND ABDOMINAL HERNIAS. Identifiers: Orphanet 2462, MedGen C1321551, MONDO:0008426, OMIM 182212.

Submission:

Labcorp Genetics (formerly Invitae), Labcorp
Classification: Uncertain significance for Shprintzen-Goldberg syndrome. Last evaluated: 2026-01-08. Review status: criteria provided, single submitter. Criteria: Invitae Variant Classification Sherloc (09022015). Collection method: clinical testing. Allele origin: germline.
Comment: This sequence change replaces valine, which is neutral and non-polar, with isoleucine, which is neutral and non-polar, at codon 567 of the SKI protein (p.Val567Ile). This variant is not present in population databases (gnomAD no frequency). This variant has not been reported in the literature in individuals affected with SKI-related conditions. Invitae Evidence Modeling of protein sequence and biophysical properties (such as structural, functional, and spatial information, amino acid conservation, physicochemical variation, residue mobility, and thermodynamic stability) indicates that this missense variant is not expected to disrupt SKI protein function with a negative predictive value of 95%. In summary, the available evidence is currently insufficient to determine the role of this variant in disease. Therefore, it has been classified as a Variant of Uncertain Significance.